The following is an entry in ClinVar:

NM_000329.3(RPE65):c.406G>C (p.Val136Leu)

Gene: RPE65 (retinoid isomerohydrolase RPE65; minus strand). Cytogenetic location: 1p31.3.
Variant type: single nucleotide variant.
Coding change: c.406G>C on transcript NM_000329.3 (MANE Select); coding-DNA position 406, G replaced by C.
Protein change: p.Val136Leu; replaces valine 136 with leucine.
Molecular consequence: missense variant.
Genome position (GRCh38, 1-based): chr1:68,444,620, C>G on the plus strand (G>C on the coding strand, the complement: RPE65 is on the minus strand). VCF-style: chr1-68444620-C-G. GRCh37 (hg19) VCF-style: chr1-68910303-C-G.
Other names: c.298G>C, p.Val100Leu (NM_001406853.1); c.130G>C, p.Val44Leu (NM_001406856.1, NM_001406857.1); c.406G>C, p.Val136Leu (NM_001406859.1, NM_001406860.1); short protein forms V136L, V100L, V44L.
Identifiers: ClinVar variation 2925860 (VCV002925860.3), dbSNP rs544763671, ClinGen allele CA902513.
Genomic context (GRCh38, chr1:68,444,620, plus strand): 5'-TAATCTTTGTAATAAAGTTGGTCTCTGTGCAAGCGTAGTAATCTTCCCCCACTGGGTAGA[C>G]ATTAACAAGGGCATTGTCAGTAACCTCTACTCCTCGAAAGTAAGAAAAAAACCTGTAGAA-3'
Protein context (NP_000320.1, residues 126-146): VEVTDNALVN[Val136Leu]YPVGEDYYAC

ClinVar aggregate classification (germline): Uncertain significance (1 of 4 stars; one submission).

Conditions:
Leber congenital amaurosis 2 (LCA2). Also called: Autosomal Recessive RPE65-Related Retinal Degeneration; AMAUROSIS CONGENITA OF LEBER II. Identifiers: Orphanet 65, MedGen C1859844, MONDO:0008765, OMIM 204100. Disease mechanism: loss of function.
Retinitis pigmentosa 20 (RP20). Identifiers: Orphanet 791, MedGen C3151086, MONDO:0013425, OMIM 613794.

gnomAD v4.1: 6 of 1,614,046 alleles (0.00037%); highest among the groups gnomAD compares: South Asian, 0.0066%; no homozygotes.

Submission:

Labcorp Genetics (formerly Invitae), Labcorp
Classification: Uncertain significance for Leber congenital amaurosis 2; Retinitis pigmentosa 20. Last evaluated: 2023-03-08. Review status: criteria provided, single submitter. Criteria: Invitae Variant Classification Sherloc (09022015). Collection method: clinical testing. Allele origin: germline.
Comment: In summary, the available evidence is currently insufficient to determine the role of this variant in disease. Therefore, it has been classified as a Variant of Uncertain Significance. Advanced modeling of protein sequence and biophysical properties (such as structural, functional, and spatial information, amino acid conservation, physicochemical variation, residue mobility, and thermodynamic stability) performed at Invitae indicates that this missense variant is not expected to disrupt RPE65 protein function. This variant has not been reported in the literature in individuals affected with RPE65-related conditions. This variant is present in population databases (rs544763671, gnomAD 0.02%). This sequence change replaces valine, which is neutral and non-polar, with leucine, which is neutral and non-polar, at codon 136 of the RPE65 protein (p.Val136Leu).